The following is an entry in ClinVar:

ClinVar aggregate classification (germline): Uncertain significance (1 of 4 stars; one submission).

Allele frequency attached by ClinVar (database versions not stated): TOPMed below 0.00001; ExAC 0.00001; gnomAD 0.00001; gnomAD exomes 0.00001.
gnomAD v4.1: 10 of 1,613,380 alleles (0.00062%); highest among the groups gnomAD compares: East Asian, 0.02%; no homozygotes.

Submission:

Ambry Genetics
Classification: Uncertain significance. Last evaluated: 2021-10-16. Review status: criteria provided, single submitter. Criteria: Ambry Variant Classification Scheme 2023. Collection method: clinical testing. Allele origin: germline.
Comment: The p.E741K variant (also known as c.2221G>A), located in coding exon 18 of the RAD54L gene, results from a G to A substitution at nucleotide position 2221. The glutamic acid at codon 741 is replaced by lysine, an amino acid with similar properties. This amino acid position is conserved. In addition, this alteration is predicted to be deleterious by in silico analysis. Since supporting evidence is limited at this time, the clinical significance of this alteration remains unclear.

NM_003579.4(RAD54L):c.2221G>A (p.Glu741Lys)

Genes: LRRC41 (leucine rich repeat containing 41; minus strand), RAD54L (RAD54 like; plus strand). Cytogenetic location: 1p34.1.
Variant type: single nucleotide variant.
Coding change: c.2221G>A on transcript NM_003579.4 (MANE Select); coding-DNA position 2221, G replaced by A.
Protein change: p.Glu741Lys; replaces glutamic acid 741 with lysine.
Molecular consequence: missense variant. On other transcripts: 3 prime UTR variant (1).
Genome position (GRCh38, 1-based): chr1:46,278,259, G>A. VCF-style: chr1-46278259-G-A. GRCh37 (hg19) VCF-style: chr1-46743931-G-A.
Other names: c.*606C>T (NM_006369.5); c.2221G>A, p.Glu741Lys (NM_001142548.2); c.1681G>A, p.Glu561Lys (NM_001370766.1); short protein forms E561K, E741K.
Identifiers: ClinVar variation 1787938 (VCV001787938.2), dbSNP rs777090635, ClinGen allele CA834845.
Genomic context (GRCh38, chr1:46,278,259, plus strand): 5'-CAGGCTGCCTGGGATGCTGCCTCCACTGCCATCACCTTCGTCTTCCACCAGCGTTCTCAT[G>A]AGGAGCAGCGGGGCCTCCGCTGATAACCAGCTGGTCTGGGTGTAGCTCTTAGAGGAAGGA-3'
Protein context (NP_003570.2, residues 731-747): ITFVFHQRSH[Glu741Lys]EQRGLR